The following is an entry in ClinVar:

ClinVar aggregate classification (germline): Likely benign (1 of 4 stars; one submission).

Conditions:
PLXNA3-related disorder. Also called: PLXNA3-related condition.

gnomAD v4.1: 17 of 1,207,902 alleles (0.0014%); highest among the groups gnomAD compares: South Asian, 0.011%; no homozygotes.

Submission:

PreventionGenetics, part of Exact Sciences
Classification: Likely benign for PLXNA3-related condition. Last evaluated: 2026-09-17. Review status: criteria provided, single submitter. Criteria: ACMG Guidelines, 2015. Collection method: clinical testing. Allele origin: germline.
Comment: This variant is classified as likely benign based on ACMG/AMP sequence variant interpretation guidelines (Richards et al. 2015 PMID: 25741868, with internal and published modifications).

NM_017514.5(PLXNA3):c.2468C>T (p.Pro823Leu)

Gene: PLXNA3 (plexin A3; plus strand). Cytogenetic location: Xq28.
Variant type: single nucleotide variant.
Coding change: c.2468C>T on transcript NM_017514.5 (MANE Select); coding-DNA position 2468, C replaced by T.
Protein change: p.Pro823Leu; replaces proline 823 with leucine.
Molecular consequence: missense variant.
Genome position (GRCh38, 1-based): chrX:154,465,783, C>T. VCF-style: chrX-154465783-C-T. GRCh37 (hg19) VCF-style: chrX-153694126-C-T.
Other names: short protein forms P823L.
Identifiers: ClinVar variation 5000347 (VCV005000347.1).